The following is an entry in ClinVar:

NM_006493.4(CLN5):c.550G>A (p.Val184Ile)

Gene: CLN5 (CLN5 lysosomal BMP synthase; plus strand). Cytogenetic location: 13q22.3.
Variant type: single nucleotide variant.
Coding change: c.550G>A on transcript NM_006493.4 (MANE Select); coding-DNA position 550, G replaced by A.
Protein change: p.Val184Ile; replaces valine 184 with isoleucine.
Molecular consequence: missense variant.
Genome position (GRCh38, 1-based): chr13:76,996,112, G>A. VCF-style: chr13-76996112-G-A. GRCh37 (hg19) VCF-style: chr13-77570247-G-A.
Other names: c.697G>A (LRG_692t1); c.550G>A, p.Val184Ile (NM_001366624.2); short protein forms V184I.
Identifiers: ClinVar variation 566327 (VCV000566327.8), dbSNP rs1566219289, ClinGen allele CA388309562.

ClinVar aggregate classification (germline): Uncertain significance (1 of 4 stars; one submission).

Conditions:
Neuronal ceroid lipofuscinosis. Also called: Neuronal Ceroid Lipofuscinoses. Identifiers: Orphanet 216, Orphanet 79263, MedGen C0027877, MONDO:0016295. Disease mechanism: loss of function.

Allele frequency attached by ClinVar (database versions not stated): gnomAD exomes below 0.00001.

Submission:

Labcorp Genetics (formerly Invitae), Labcorp
Classification: Uncertain significance for Neuronal ceroid lipofuscinosis. Last evaluated: 2018-01-20. Review status: criteria provided, single submitter. Criteria: Invitae Variant Classification Sherloc (09022015). Collection method: clinical testing. Allele origin: germline.
Comment: This sequence change replaces valine with isoleucine at codon 233 of the CLN5 protein (p.Val233Ile). The valine residue is moderately conserved and there is a small physicochemical difference between valine and isoleucine. This variant is not present in population databases (ExAC no frequency). This variant has not been reported in the literature in individuals with CLN5-related disease. Algorithms developed to predict the effect of missense changes on protein structure and function output the following: SIFT: "Tolerated"; PolyPhen-2: "Benign"; Align-GVGD: "Class C0". The isoleucine amino acid residue is found in multiple mammalian species, suggesting that this missense change does not adversely affect protein function. These predictions have not been confirmed by published functional studies and their clinical significance is uncertain. In summary, the available evidence is currently insufficient to determine the role of this variant in disease. Therefore, it has been classified as a Variant of Uncertain Significance.